The following is an entry in ClinVar:

NM_020366.4(RPGRIP1):c.310G>C (p.Gly104Arg)

Gene: RPGRIP1 (RPGR interacting protein 1; plus strand). Cytogenetic location: 14q11.2.
Variant type: single nucleotide variant.
Coding change: c.310G>C on transcript NM_020366.4 (MANE Select); coding-DNA position 310, G replaced by C.
Protein change: p.Gly104Arg; replaces glycine 104 with arginine.
Molecular consequence: missense variant.
Genome position (GRCh38, 1-based): chr14:21,301,057, G>C. VCF-style: chr14-21301057-G-C. GRCh37 (hg19) VCF-style: chr14-21769216-G-C.
Other names: short protein forms G104R.
Identifiers: ClinVar variation 312781 (VCV000312781.6), dbSNP rs377018856, ClinGen allele CA7088631.

ClinVar aggregate classification (germline): Uncertain significance. Review status: criteria provided, multiple submitters, no conflicts (2 of 4 stars). 3 submissions from 2 submitters: Uncertain significance (3). Last evaluated 2022-03-06.

Conditions:
Leber congenital amaurosis 6 (LCA6). Identifiers: Orphanet 65, MedGen C1854260, MONDO:0013446, OMIM 613826.
Cone-rod dystrophy 13 (CORD13). Identifiers: Orphanet 1872, MedGen C2750720, MONDO:0011987, OMIM 608194.

Allele frequency attached by ClinVar (database versions not stated): gnomAD exomes 0.00001; ExAC 0.00002; TOPMed 0.00002; gnomAD 0.00006; ESP Exome Variant Server 0.00008.
gnomAD v4.1: 10 of 1,612,590 alleles (0.00062%); highest among the groups gnomAD compares: Non-Finnish European, 0.00085%; no homozygotes.

Submissions (3):

Labcorp Genetics (formerly Invitae), Labcorp
Classification: Uncertain significance for Leber congenital amaurosis 6; Cone-rod dystrophy 13. Last evaluated: 2022-03-06. Review status: criteria provided, single submitter. Criteria: Invitae Variant Classification Sherloc (09022015). Collection method: clinical testing. Allele origin: germline.
Comment: This sequence change replaces glycine, which is neutral and non-polar, with arginine, which is basic and polar, at codon 104 of the RPGRIP1 protein (p.Gly104Arg). This variant is present in population databases (rs377018856, gnomAD 0.004%). This variant has not been reported in the literature in individuals affected with RPGRIP1-related conditions. ClinVar contains an entry for this variant (Variation ID: 312781). Algorithms developed to predict the effect of missense changes on protein structure and function output the following: SIFT: "Tolerated"; PolyPhen-2: "Benign"; Align-GVGD: "Class C0". The arginine amino acid residue is found in multiple mammalian species, which suggests that this missense change does not adversely affect protein function. In summary, the available evidence is currently insufficient to determine the role of this variant in disease. Therefore, it has been classified as a Variant of Uncertain Significance.

Illumina Laboratory Services, Illumina
Classification: Uncertain significance for Cone-rod dystrophy 13. Last evaluated: 2018-01-13. Review status: criteria provided, single submitter. Criteria: ICSL Variant Classification Criteria 13 December 2019. Collection method: clinical testing. Allele origin: germline.

Illumina Laboratory Services, Illumina
Classification: Uncertain significance for Leber congenital amaurosis 6. Last evaluated: 2018-01-13. Review status: criteria provided, single submitter. Criteria: ICSL Variant Classification Criteria 13 December 2019. Collection method: clinical testing. Allele origin: germline.